The following is an entry in ClinVar:

NM_000722.4(CACNA2D1):c.368T>C (p.Val123Ala)

Gene: CACNA2D1 (calcium voltage-gated channel auxiliary subunit alpha2delta 1; minus strand). Cytogenetic location: 7q21.11.
Variant type: single nucleotide variant.
Coding change: c.368T>C on transcript NM_000722.4 (MANE Select); coding-DNA position 368, T replaced by C.
Protein change: p.Val123Ala; replaces valine 123 with alanine.
Molecular consequence: missense variant.
Genome position (GRCh38, 1-based): chr7:82,136,663, A>G on the plus strand (T>C on the coding strand, the complement: CACNA2D1 is on the minus strand). VCF-style: chr7-82136663-A-G. GRCh37 (hg19) VCF-style: chr7-81765979-A-G.
Other names: c.368T>C, p.Val123Ala (NM_001302890.2, NM_001366867.1); short protein forms V123A.
Identifiers: ClinVar variation 4868104 (VCV004868104.1).

ClinVar aggregate classification (germline): Uncertain significance (1 of 4 stars; one submission).

Conditions:
Cardiovascular phenotype. Identifiers: MedGen CN230736.

Submission:

Ambry Genetics
Classification: Uncertain significance for Cardiovascular phenotype. Last evaluated: 2026-03-29. Review status: criteria provided, single submitter. Criteria: Ambry Variant Classification Scheme 2023. Collection method: clinical testing. Allele origin: germline.
Comment: The p.V123A variant (also known as c.368T>C), located in coding exon 5 of the CACNA2D1 gene, results from a T to C substitution at nucleotide position 368. The valine at codon 123 is replaced by alanine, an amino acid with similar properties. This amino acid position is conserved. In addition, this alteration is predicted to be tolerated by in silico analysis. Based on the available evidence, the clinical significance of this variant remains unclear.